The following is an entry in ClinVar:

NM_001321142.2(CIDEC):c.660G>T (p.Gln220His)

Gene: CIDEC (cell death inducing DFFA like effector c; minus strand). Cytogenetic location: 3p25.3.
Variant type: single nucleotide variant.
Coding change: c.660G>T on transcript NM_001321142.2 (MANE Select); coding-DNA position 660, G replaced by T.
Protein change: p.Gln220His; replaces glutamine 220 with histidine.
Molecular consequence: missense variant.
Genome position (GRCh38, 1-based): chr3:9,867,191, C>A on the plus strand (G>T on the coding strand, the complement: CIDEC is on the minus strand). VCF-style: chr3-9867191-C-A. GRCh37 (hg19) VCF-style: chr3-9908875-C-A.
Other names: c.690G>T, p.Gln230His (NM_001199551.2); c.660G>T, p.Gln220His (NM_001199552.2, NM_001378491.1, NM_022094.3); c.699G>T, p.Gln233His (NM_001199623.2); c.438G>T, p.Gln146His (NM_001321143.2, NM_001321144.2); short protein forms Q146H, Q220H, Q230H, Q233H.
Identifiers: ClinVar variation 3038583 (VCV003038583.2), dbSNP rs52790883, ClinGen allele CA2245516.

ClinVar aggregate classification (germline): Likely benign (0 of 4 stars; one submission).

Conditions:
CIDEC-related disorder. Also called: CIDEC-related condition.

Allele frequency attached by ClinVar (database versions not stated): ESP Exome Variant Server 0.00046; gnomAD exomes 0.00050; gnomAD 0.00051; TOPMed 0.00053; ExAC 0.00063; 1000 Genomes Project 30x 0.00078; 1000 Genomes Project 0.00080.
gnomAD v4.1: 806 of 1,614,060 alleles (0.05%); highest among the groups gnomAD compares: Non-Finnish European, 0.048%; 1 homozygote.

Submission:

PreventionGenetics, part of Exact Sciences
Classification: Likely benign for CIDEC-related condition. Last evaluated: 2020-10-27. Review status: no assertion criteria provided. Collection method: clinical testing. Allele origin: germline.
Comment: This variant is classified as likely benign based on ACMG/AMP sequence variant interpretation guidelines (Richards et al. 2015 PMID: 25741868, with internal and published modifications).